The following is an entry in ClinVar:

NM_020117.11(LARS1):c.3263G>A (p.Arg1088Lys)

Gene: LARS1 (leucyl-tRNA synthetase 1; minus strand). Cytogenetic location: 5q32.
Variant type: single nucleotide variant.
Coding change: c.3263G>A on transcript NM_020117.11 (MANE Select); coding-DNA position 3263, G replaced by A.
Protein change: p.Arg1088Lys; replaces arginine 1088 with lysine.
Molecular consequence: missense variant.
Genome position (GRCh38, 1-based): chr5:146,120,433, C>T on the plus strand (G>A on the coding strand, the complement: LARS1 is on the minus strand). VCF-style: chr5-146120433-C-T. GRCh37 (hg19) VCF-style: chr5-145499996-C-T.
Other names: p.R1088K:AGG>AAG; c.3125G>A, p.Arg1042Lys (NM_001317964.2); c.3101G>A, p.Arg1034Lys (NM_001317965.2); c.3182G>A, p.Arg1061Lys (NM_016460.4); short protein forms R1088K, R1042K, R1061K, R1034K.
Identifiers: ClinVar variation 138099 (VCV000138099.9), dbSNP rs10988, ClinGen allele CA291905.
Genomic context (GRCh38, chr5:146,120,433, plus strand): 5'-TTAATTCCTCGATTCATTTTCATTAAACGCCTGATTATGGAATCACAGTTATCTCCTTGC[C>T]TGATTTCAATTTTGGTTGAGAAGTGGCCATTGGATGGCTGGGGATTCACCAGAGAAACGG-3'
Protein context (NP_064502.9, residues 1078-1098): NGHFSTKIEI[Arg1088Lys]QGDNCDSIIR

ClinVar aggregate classification (germline): Benign. Review status: criteria provided, multiple submitters, no conflicts (2 of 4 stars). 2 submissions from 2 submitters: Benign (2). Last evaluated 2026-02-04.

Allele frequency attached by ClinVar (database versions not stated): gnomAD exomes 0.27430 and 0.28119; 1000 Genomes Project 30x 0.18395; gnomAD 0.22458 and 0.22349; 1000 Genomes Project 0.18490; ExAC 0.26433; ESP Exome Variant Server 0.20729; TOPMed 0.22371.
gnomAD v4.1: 443,064 of 1,612,416 alleles (27%); highest among the groups gnomAD compares: Admixed American, 42%; 64,821 homozygotes.

Submissions (2):

Labcorp Genetics (formerly Invitae), Labcorp
Classification: Benign. Last evaluated: 2026-02-04. Review status: criteria provided, single submitter. Criteria: Invitae Variant Classification Sherloc (09022015). Collection method: clinical testing. Allele origin: germline.

GeneDx
Classification: Benign. Last evaluated: 2013-08-29. Review status: criteria provided, single submitter. Criteria: GeneDx Variant Classification (06012015). Collection method: clinical testing. Allele origin: germline. Affected: yes.
Comment: This variant is considered likely benign or benign based on one or more of the following criteria: it is a conservative change, it occurs at a poorly conserved position in the protein, it is predicted to be benign by multiple in silico algorithms, and/or has population frequency not consistent with disease.